The following is an entry in ClinVar:

NM_005045.4(RELN):c.7235G>A (p.Arg2412Lys)

Gene: RELN (reelin; minus strand). Cytogenetic location: 7q22.1.
Variant type: single nucleotide variant.
Coding change: c.7235G>A on transcript NM_005045.4 (MANE Select); coding-DNA position 7235, G replaced by A.
Protein change: p.Arg2412Lys; replaces arginine 2412 with lysine.
Molecular consequence: missense variant.
Genome position (GRCh38, 1-based): chr7:103,535,430, C>T on the plus strand (G>A on the coding strand, the complement: RELN is on the minus strand). VCF-style: chr7-103535430-C-T. GRCh37 (hg19) VCF-style: chr7-103175877-C-T.
Other names: c.7235G>A, p.Arg2412Lys (NM_173054.3); short protein forms R2412K.
Identifiers: ClinVar variation 4783216 (VCV004783216.1).

ClinVar aggregate classification (germline): Uncertain significance (1 of 4 stars; one submission).

Conditions:
Norman-Roberts syndrome (LIS2). Also called: Lissencephaly 2 (Norman-Roberts type). Identifiers: Orphanet 89844, MedGen C0796089, MONDO:0009760, OMIM 257320.
Familial temporal lobe epilepsy 7. Identifiers: Orphanet 101046, MedGen C4225327, MONDO:0014639, OMIM 616436.

Submission:

Labcorp Genetics (formerly Invitae), Labcorp
Classification: Uncertain significance for Familial temporal lobe epilepsy 7; Norman-Roberts syndrome. Last evaluated: 2025-02-16. Review status: criteria provided, single submitter. Criteria: Invitae Variant Classification Sherloc (09022015). Collection method: clinical testing. Allele origin: germline.
Comment: This sequence change replaces arginine, which is basic and polar, with lysine, which is basic and polar, at codon 2412 of the RELN protein (p.Arg2412Lys). This variant is not present in population databases (gnomAD no frequency). This variant has not been reported in the literature in individuals affected with RELN-related conditions. Invitae Evidence Modeling of protein sequence and biophysical properties (such as structural, functional, and spatial information, amino acid conservation, physicochemical variation, residue mobility, and thermodynamic stability) indicates that this missense variant is not expected to disrupt RELN protein function with a negative predictive value of 80%. In summary, the available evidence is currently insufficient to determine the role of this variant in disease. Therefore, it has been classified as a Variant of Uncertain Significance.